The following is an entry in ClinVar:

ClinVar aggregate classification (germline): Uncertain significance (1 of 4 stars; one submission).

Conditions:
Hereditary cancer-predisposing syndrome. Also called: Neoplastic Syndromes, Hereditary; Tumor predisposition; Hereditary Cancer Syndrome; Hereditary neoplastic syndrome. Identifiers: Orphanet 140162, MedGen C0027672, MeSH D009386, MONDO:0015356.

Submission:

Ambry Genetics
Classification: Uncertain significance for Hereditary cancer-predisposing syndrome. Last evaluated: 2026-05-23. Review status: criteria provided, single submitter. Criteria: Ambry Variant Classification Scheme 2023. Collection method: clinical testing. Allele origin: germline.
Comment: The p.Y1160F variant (also known as c.3479A>T), located in coding exon 17 of the BLM gene, results from an A to T substitution at nucleotide position 3479. The tyrosine at codon 1160 is replaced by phenylalanine, an amino acid with highly similar properties. This amino acid position is conserved. In addition, this alteration is predicted to be tolerated by in silico analysis. Based on the available evidence, the clinical significance of this variant remains unclear.

NM_000057.4(BLM):c.3479A>T (p.Tyr1160Phe)

Gene: BLM (BLM RecQ like helicase; plus strand). Cytogenetic location: 15q26.1.
Variant type: single nucleotide variant.
Coding change: c.3479A>T on transcript NM_000057.4 (MANE Select); coding-DNA position 3479, A replaced by T.
Protein change: p.Tyr1160Phe; replaces tyrosine 1160 with phenylalanine.
Molecular consequence: missense variant. On other transcripts: intron variant (1).
Genome position (GRCh38, 1-based): chr15:90,803,641, A>T. VCF-style: chr15-90803641-A-T. GRCh37 (hg19) VCF-style: chr15-91346871-A-T.
Other names: c.3479A>T, p.Tyr1160Phe (NM_001287246.2); c.2354A>T, p.Tyr785Phe (NM_001287248.2); c.3358+5304A>T (NM_001287247.2); short protein forms Y1160F, Y785F.
Identifiers: ClinVar variation 4867514 (VCV004867514.1).